The following is an entry in ClinVar:

NM_004727.3(SLC24A1):c.1139C>T (p.Thr380Ile)

Gene: SLC24A1 (solute carrier family 24 member 1; plus strand). Cytogenetic location: 15q22.31.
Variant type: single nucleotide variant.
Coding change: c.1139C>T on transcript NM_004727.3 (MANE Select); coding-DNA position 1139, C replaced by T.
Protein change: p.Thr380Ile; replaces threonine 380 with isoleucine.
Molecular consequence: missense variant.
Genome position (GRCh38, 1-based): chr15:65,625,219, C>T. VCF-style: chr15-65625219-C-T. GRCh37 (hg19) VCF-style: chr15-65917557-C-T.
Other names: c.1139C>T, p.Thr380Ile (NM_001301031.1, NM_001301032.1, NM_001301033.2); short protein forms T380I.
Identifiers: ClinVar variation 1381073 (VCV001381073.6), dbSNP rs2074465438, ClinGen allele CA392916837.

ClinVar aggregate classification (germline): Uncertain significance (1 of 4 stars; one submission).

Allele frequency attached by ClinVar (database versions not stated): gnomAD exomes below 0.00001; TOPMed below 0.00001.
gnomAD v4.1: 1 of 1,613,982 alleles (0.000062%); highest among the groups gnomAD compares: Non-Finnish European, 0.000085%; no homozygotes.

Submission:

Labcorp Genetics (formerly Invitae), Labcorp
Classification: Uncertain significance. Last evaluated: 2021-09-14. Review status: criteria provided, single submitter. Criteria: Invitae Variant Classification Sherloc (09022015). Collection method: clinical testing. Allele origin: germline.
Comment: This sequence change replaces threonine with isoleucine at codon 380 of the SLC24A1 protein (p.Thr380Ile). The threonine residue is weakly conserved and there is a moderate physicochemical difference between threonine and isoleucine. This variant is not present in population databases (ExAC no frequency). This variant has not been reported in the literature in individuals affected with SLC24A1-related conditions. Algorithms developed to predict the effect of missense changes on protein structure and function are either unavailable or do not agree on the potential impact of this missense change (SIFT: "Deleterious"; PolyPhen-2: "Benign"; Align-GVGD: "Class C0"). In summary, the available evidence is currently insufficient to determine the role of this variant in disease. Therefore, it has been classified as a Variant of Uncertain Significance.